The following is an entry in ClinVar:

NM_000274.4(OAT):c.1031_1032insTT (p.Leu345fs)

Gene: OAT (ornithine aminotransferase; minus strand). Cytogenetic location: 10q26.13.
Variant type: Insertion.
Coding change: c.1031_1032insTT on transcript NM_000274.4 (MANE Select); coding-DNA positions 1031 to 1032, TT inserted.
Protein change: p.Leu345fs; shifts the reading frame from leucine 345.
Molecular consequence: frameshift variant.
Genome position: GRCh38 VCF-style: chr10-124400967-G-GAA. GRCh37 (hg19) VCF-style: chr10-126089536-G-GAA.
Other names: c.617_618insTT, p.Leu207fs (NM_001171814.2); c.1031_1032insTT, p.Leu345fs (NM_001322965.2, NM_001322966.2, NM_001322967.2 and 3 more transcripts); c.710_711insTT, p.Leu238fs (NM_001322971.2); c.431_432insTT, p.Leu145fs (NM_001322974.2); short protein forms L145fs, L207fs, L238fs, L345fs.
Identifiers: ClinVar variation 4818075 (VCV004818075.1).

ClinVar aggregate classification (germline): Likely pathogenic (1 of 4 stars; one submission).

Conditions:
Ornithine aminotransferase deficiency (GACR). Also called: HYPERORNITHINEMIA WITH GYRATE ATROPHY OF CHOROID AND RETINA; OAT DEFICIENCY; OKT DEFICIENCY; Ornithine ketoacid aminotransferase deficiency; Gyrate atrophy; Gyrate atrophy of choroid and retina. Identifiers: Orphanet 414, MedGen C0018425, MONDO:0009796, OMIM 258870.

Submission:

Natera, Inc.
Classification: Likely pathogenic for Gyrate atrophy. Last evaluated: 2024-11-05. Review status: criteria provided, single submitter. Criteria: Natera Variant Classification Schema (03/2026). Collection method: clinical testing. Allele origin: germline.
Comment: The c.1031_1032insTT variant in OAT is a frameshift variant predicted to shift the reading frame beginning at codon 345 and leads to a stop codon 13 codons downstream. This variant is expected to result in nonsense mediated decay, truncation, or a dysfunctional protein product. This variant is rare in the general population with a frequency below the threshold expected for the associated phenotype(s). Given the available evidence, this variant is classified as Likely Pathogenic.